The following is an entry in ClinVar:

NM_001038603.3(MARVELD2):c.1059A>G (p.Ile353Met)

Gene: MARVELD2 (MARVEL domain containing 2; plus strand). Cytogenetic location: 5q13.2.
Variant type: single nucleotide variant.
Coding change: c.1059A>G on transcript NM_001038603.3 (MANE Select); coding-DNA position 1059, A replaced by G.
Protein change: p.Ile353Met; replaces isoleucine 353 with methionine.
Molecular consequence: missense variant.
Genome position (GRCh38, 1-based): chr5:69,420,444, A>G. VCF-style: chr5-69420444-A-G. GRCh37 (hg19) VCF-style: chr5-68716271-A-G.
Other names: c.1059A>G, p.Ile353Met (NM_001244734.2); short protein forms I353M.
Identifiers: ClinVar variation 163969 (VCV000163969.9), dbSNP rs727503158, ClinGen allele CA176720.

ClinVar aggregate classification (germline): Likely benign. Review status: criteria provided, multiple submitters, no conflicts (2 of 4 stars). 2 submissions from 2 submitters: Likely benign (2). Last evaluated 2024-09-10.

Allele frequency attached by ClinVar (database versions not stated): gnomAD 0.00001; gnomAD exomes 0.00003 and 0.00005; ExAC 0.00005; TOPMed 0.00005.

Submissions (2):

Blueprint Genetics
Classification: Likely benign. Last evaluated: 2024-09-10. Review status: criteria provided, single submitter. Criteria: ACMG Guidelines, 2015. Collection method: clinical testing. Allele origin: germline.

Laboratory for Molecular Medicine, Mass General Brigham Personalized Medicine
Classification: Likely benign. Last evaluated: 2013-06-28. Review status: criteria provided, single submitter. Criteria: LMM Criteria. Collection method: clinical testing. Allele origin: germline. Observed: 1 variant allele.
Comment: Ile353Met in exon 2 of MARVELD2: This variant is not expected to have clinical s ignificance due to a lack of conservation across species, including mammals. Of note, horse, pika, and tarsier have a methionine (Met) at this position despite high nearby amino acid conservation. In addition, computational analyses (PolyPh en2, SIFT, AlignGVGD) do not suggest a high likelihood of impact to the protein.